The following is an entry in ClinVar:

ClinVar aggregate classification (germline): Likely pathogenic. Review status: criteria provided, multiple submitters, no conflicts (2 of 4 stars). 3 submissions from 3 submitters: Likely pathogenic (3). Last evaluated 2023-08-23.

Conditions:
Hermansky-Pudlak syndrome 1 (HPS1). Also called: DELTA STORAGE POOL DISEASE. Identifiers: Orphanet 231500, Orphanet 79430, MedGen C2931875, MONDO:0008748, OMIM 203300.

Submissions (3):

Baylor Genetics
Classification: Likely pathogenic for Hermansky-Pudlak syndrome 1. Last evaluated: 2023-08-23. Review status: criteria provided, single submitter. Criteria: ACMG Guidelines, 2015. Collection method: clinical testing. Allele origin: unknown.

Labcorp Genetics (formerly Invitae), Labcorp
Classification: Likely pathogenic. Last evaluated: 2021-03-17. Review status: criteria provided, single submitter. Criteria: Invitae Variant Classification Sherloc (09022015). Collection method: clinical testing. Allele origin: germline.
Comment: In summary, the currently available evidence indicates that the variant is pathogenic, but additional data are needed to prove that conclusively. Therefore, this variant has been classified as Likely Pathogenic. Algorithms developed to predict the effect of sequence changes on RNA splicing suggest that this variant may disrupt the consensus splice site, but this prediction has not been confirmed by published transcriptional studies. Disruption of this splice site has been observed in individual(s) with Hermansky-Pudlak syndrome (PMID: 29941477). This variant is not present in population databases (ExAC no frequency). This sequence change affects a donor splice site in intron 18 of the HPS1 gene. It is expected to disrupt RNA splicing. Variants that disrupt the donor or acceptor splice site typically lead to a loss of protein function (PMID: 16199547), and loss-of-function variants in HPS1 are known to be pathogenic (PMID: 12442288, 16185271).

Revvity Omics, Revvity
Classification: Likely pathogenic for Hermansky-Pudlak syndrome 1. Last evaluated: 2021-02-08. Review status: criteria provided, single submitter. Criteria: ACMG Guidelines, 2015. Collection method: clinical testing. Allele origin: germline.

Literature cited by the submitters: PubMed 29941477 (cited by Labcorp Genetics (formerly Invitae), Labcorp); PubMed 16199547 (cited by Labcorp Genetics (formerly Invitae), Labcorp); PubMed 12442288 (cited by Labcorp Genetics (formerly Invitae), Labcorp); PubMed 16185271 (cited by Labcorp Genetics (formerly Invitae), Labcorp).

NM_000195.5(HPS1):c.1857+1G>A

Gene: HPS1 (HPS1 biogenesis of lysosomal organelles complex 3 subunit 1; minus strand). Cytogenetic location: 10q24.2.
Variant type: single nucleotide variant.
Coding change: c.1857+1G>A on transcript NM_000195.5 (MANE Select); the canonical splice donor site of the intron after coding-DNA position 1857, G replaced by A.
Molecular consequence: splice donor variant.
Genome position (GRCh38, 1-based): chr10:98,420,044, C>T on the plus strand (G>A on the coding strand, the complement: HPS1 is on the minus strand). VCF-style: chr10-98420044-C-T. GRCh37 (hg19) VCF-style: chr10-100179801-C-T.
Other names: c.1488+1G>A (NM_001322483.2, NM_001322484.2); c.1596+1G>A (NM_001322480.2, NM_001322481.2); c.1758+1G>A (NM_001322478.2, NM_001322479.2); c.1857+1G>A (NM_001322476.2, NM_001322477.2); c.1389+1G>A (NM_001322485.2); c.1497+1G>A (NM_001322482.2); c.885+1G>A (NM_001322489.2, NM_001311345.2, NM_001322487.2).
Identifiers: ClinVar variation 1324542 (VCV001324542.12), dbSNP rs2136102397, ClinGen allele CA378043428.